The following is an entry in ClinVar:

ClinVar aggregate classification (germline): Uncertain significance (1 of 4 stars; one submission).

Submission:

GeneDx
Classification: Uncertain significance. Last evaluated: 2026-03-16. Review status: criteria provided, single submitter. Criteria: GeneDx Variant Classification Process June 2021. Collection method: clinical testing. Allele origin: germline.
Comment: Not observed at significant frequency in large population cohorts (gnomAD); In-frame deletion of 1 amino acid(s) in a non-repeat region; In silico analysis supports a deleterious effect on protein structure/function; In silico analysis is inconclusive as to whether the variant alters gene splicing. In the absence of RNA/functional studies, the actual effect of this sequence change is unknown.; Has not been previously published as pathogenic or benign to our knowledge

NM_022455.5(NSD1):c.897ATC[2] (p.Ser302del)

Gene: NSD1 (nuclear receptor binding SET domain protein 1; plus strand). Cytogenetic location: 5q35.3.
Variant type: Microsatellite.
Coding change: c.897ATC[2] on transcript NM_022455.5 (MANE Select); two copies in a row of the 3-base unit ATC starting at c.897; the reference has three copies in a row; one copy, 3 bases deleted; also written c.903_905del.
Protein change: p.Ser302del; deletes serine 302.
Molecular consequence: inframe deletion. On other transcripts: inframe indel (2).
Genome position (GRCh38, 1-based): chr5:177,136,006-177,136,008, ATC deleted; deleting any 3 consecutive bases within chr5:177,135,998-177,136,008 gives the same sequence; the position shown is the placement nearest the transcript's 3' end. VCF-style (leftmost placement, unchanged base first): chr5-177135997-TTCA-T. GRCh37 (hg19) VCF-style: chr5-176562998-TTCA-T.
Other names: c.477ATC[2], p.Ser162del (NM_001409304.1); c.24ATC[2], p.Ser11del (NM_001409305.1, NM_001409306.1, NM_001409307.1 and 4 more transcripts); c.897_899ATC[2], p.Ser302del (NM_022455.4); c.903_905del (NM_022455.4); c.897ATC[2], p.Ser302del (NM_001409301.1, NM_001409302.1, NM_001409303.1); short protein forms S162del, S11del, S302del.
Identifiers: ClinVar variation 5009242 (VCV005009242.1).
Genomic context (GRCh38, chr5:177,135,997, plus strand): 5'-TCAGGATGATCCAGATTCCAGTACCAGTACATTAGGAAACATGCTAGAATTACCTGGAAC[TTCA>T]TCATCATCTACTTCACAGGAATTGCCATTTGTAAGCAGTTTTTGGTACAACTTAAATATA-3'